The following is an entry in ClinVar:

ClinVar aggregate classification (germline): Conflicting classifications of pathogenicity. Review status: criteria provided, conflicting classifications (1 of 4 stars). 4 submissions from 4 submitters: Pathogenic (1); Likely pathogenic (1); Uncertain significance (2). Last evaluated 2024-04-17.

Conditions:
Retinitis pigmentosa (RP). Identifiers: Orphanet 791, MedGen C0035334, MeSH D012174, MONDO:0019200, OMIM 268000. Inheritance: Autosomal dominant, autosomal recessive and X linked inheritance.
Usher syndrome. Also called: Usher's syndrome; Usher Syndromes. Identifiers: Orphanet 886, MedGen CN469326, MeSH D052245, MONDO:0019501. Disease mechanism: loss of function.

Allele frequency attached by ClinVar (database versions not stated): gnomAD exomes 0.00001.
gnomAD v4.1: 8 of 1,614,076 alleles (0.0005%); highest among the groups gnomAD compares: Non-Finnish European, 0.00068%; no homozygotes.

Submissions (4):

Labcorp Genetics (formerly Invitae), Labcorp
Classification: Pathogenic. Last evaluated: 2024-04-17. Review status: criteria provided, single submitter. Criteria: Invitae Variant Classification Sherloc (09022015). Collection method: clinical testing. Allele origin: germline.
Comment: This sequence change replaces cysteine, which is neutral and slightly polar, with arginine, which is basic and polar, at codon 605 of the USH2A protein (p.Cys605Arg). This variant is not present in population databases (gnomAD no frequency). This missense change has been observed in individuals with clinical features of USH2A-related conditions (PMID: 25472526; Invitae). ClinVar contains an entry for this variant (Variation ID: 285412). Advanced modeling of protein sequence and biophysical properties (such as structural, functional, and spatial information, amino acid conservation, physicochemical variation, residue mobility, and thermodynamic stability) performed at Invitae indicates that this missense variant is expected to disrupt USH2A protein function with a positive predictive value of 95%. For these reasons, this variant has been classified as Pathogenic.

Women's Health and Genetics/Laboratory Corporation of America, LabCorp
Classification: Likely pathogenic for Usher syndrome. Last evaluated: 2023-07-21. Review status: criteria provided, single submitter. Criteria: LabCorp Variant Classification Summary - May 2015. Collection method: clinical testing. Allele origin: germline.
Comment: Variant summary: USH2A c.1813T>C (p.Cys605Arg) results in a non-conservative amino acid change to a highly conserved residue (HGMD) located in the Laminin-type EGF domain (IPR002049) of the encoded protein sequence. Five of five in-silico tools predict a damaging effect of the variant on protein function. The variant was absent in 251348 control chromosomes (gnomAD). c.1813T>C has been reported in the literature in individuals affected with retinitis pigmentosa or Usher Syndrome (Zhao_2015, Hufnagel_2022), and at least one was reported as compound heterozygous with another pathogenic variant. These data indicate that the variant is likely to be associated with disease. To our knowledge, no experimental evidence demonstrating an impact on protein function has been reported. The following publications have been ascertained in the context of this evaluation (PMID: 25472526, 35266249). Three submitters have cited clinical-significance assessments for this variant to ClinVar after 2014, and classified it as pathogenic (n=1) or uncertain significance (n=2). Based on the evidence outlined above, the variant was classified as likely pathogenic.

Broad Center for Mendelian Genomics, Broad Institute of MIT and Harvard
Classification: Uncertain significance for Retinitis pigmentosa. Last evaluated: 2021-04-01. Review status: criteria provided, single submitter. Criteria: ACMG Guidelines, 2015. Collection method: curation. Allele origin: germline. Inheritance: Autosomal recessive inheritance. Affected: yes.
Comment: Through a review of available evidence we were able to apply the following criteria: PM2, PP3, PM3-P. Based on this evidence we have classified this variant as a Variant of Uncertain Significance. If you have any questions about the classification please reach out to the Pierce Lab.

Eurofins Ntd Llc (ga)
Classification: Uncertain significance. Last evaluated: 2015-12-17. Review status: criteria provided, single submitter. Criteria: EGL Classification Definitions 2015. Collection method: clinical testing. Allele origin: germline. Observed: 1 variant allele, 1 heterozygote.

Literature cited by the submitters: PubMed 25472526 (cited by 3 submitters); PubMed 35266249 (cited by Women's Health and Genetics/Laboratory Corporation of America, LabCorp); PubMed 34906470 (cited by Broad Center for Mendelian Genomics, Broad Institute of MIT and Harvard).

NM_206933.4(USH2A):c.1813T>C (p.Cys605Arg)

Gene: USH2A (usherin; minus strand). Cytogenetic location: 1q41.
Variant type: single nucleotide variant.
Coding change: c.1813T>C on transcript NM_206933.4 (MANE Select); coding-DNA position 1813, T replaced by C.
Protein change: p.Cys605Arg; replaces cysteine 605 with arginine.
Molecular consequence: missense variant.
Genome position (GRCh38, 1-based): chr1:216,292,202, A>G on the plus strand (T>C on the coding strand, the complement: USH2A is on the minus strand). VCF-style: chr1-216292202-A-G. GRCh37 (hg19) VCF-style: chr1-216465544-A-G.
Other names: c.1813T>C, p.Cys605Arg (NM_007123.6); short protein forms C605R.
Identifiers: ClinVar variation 285412 (VCV000285412.17), dbSNP rs886043096, ClinGen allele CA10605103.